The following is an entry in ClinVar:

ClinVar aggregate classification (germline): Likely benign (1 of 4 stars; one submission).

Allele frequency attached by ClinVar (database versions not stated): ESP Exome Variant Server 0.00008; gnomAD 0.00008; ExAC 0.00009; gnomAD exomes 0.00013; TOPMed 0.00019.
gnomAD v4.1: 239 of 1,612,376 alleles (0.015%); highest among the groups gnomAD compares: Middle Eastern, 0.54%; 3 homozygotes.

Submission:

CeGaT Center for Human Genetics Tuebingen
Classification: Likely benign. Last evaluated: 2022-10-01. Review status: criteria provided, single submitter. Criteria: CeGaT Center For Human Genetics Tuebingen Variant Classification Criteria Version 2. Collection method: clinical testing. Allele origin: germline. Affected: yes. Observed: 1 variant allele.
Comment: RNF20: BP4, BP7

NM_019592.7(RNF20):c.1695T>C (p.Asp565=)

Gene: RNF20 (ring finger protein 20; plus strand). Cytogenetic location: 9q31.1.
Variant type: single nucleotide variant.
Coding change: c.1695T>C on transcript NM_019592.7 (MANE Select); coding-DNA position 1695, T replaced by C.
Protein change: p.Asp565=; no amino-acid change (aspartic acid 565 retained).
Molecular consequence: synonymous variant.
Genome position (GRCh38, 1-based): chr9:101,552,547, T>C. VCF-style: chr9-101552547-T-C. GRCh37 (hg19) VCF-style: chr9-104314829-T-C.
Identifiers: ClinVar variation 2659353 (VCV002659353.24), dbSNP rs377060641, ClinGen allele CA5162425.